The following is an entry in ClinVar:

NM_139315.3(TAF6):c.1707G>A (p.Ser569=)

Genes: AP4M1 (adaptor related protein complex 4 subunit mu 1; plus strand), TAF6 (TATA-box binding protein associated factor 6; minus strand). Cytogenetic location: 7q22.1.
Variant type: single nucleotide variant.
Coding change: c.1707G>A on transcript NM_139315.3 (MANE Select); coding-DNA position 1707, G replaced by A.
Protein change: p.Ser569=; no amino-acid change (serine 569 retained).
Molecular consequence: synonymous variant. On other transcripts: non-coding transcript variant (1), 3 prime UTR variant (2).
Genome position (GRCh38, 1-based): chr7:100,107,573, C>T on the plus strand (G>A on the coding strand, the complement: TAF6 is on the minus strand). VCF-style: chr7-100107573-C-T. GRCh37 (hg19) VCF-style: chr7-99705196-C-T.
Other names: c.1818G>A, p.Ser606= (NM_001190415.2); c.1707G>A, p.Ser569= (NM_001364998.1, NM_001364999.1, NM_005641.4); c.1677G>A, p.Ser559= (NM_001365000.1, NM_001365001.1, NM_001365002.1 and 1 more transcripts); c.1845G>A, p.Ser615= (NM_001365004.1); c.*691C>T (NM_001363671.2, NM_004722.4).
Identifiers: ClinVar variation 2061252 (VCV002061252.5), dbSNP rs749294882, ClinGen allele CA4375180.

ClinVar aggregate classification (germline): Likely benign. Review status: criteria provided, multiple submitters, no conflicts (2 of 4 stars). 2 submissions from 2 submitters: Likely benign (2). Last evaluated 2026-08-01.

Allele frequency attached by ClinVar (database versions not stated): gnomAD 0.00006; TOPMed 0.00009; gnomAD exomes 0.00010; ExAC 0.00017.

Submissions (2):

CeGaT Center for Human Genetics Tuebingen
Classification: Likely benign. Last evaluated: 2026-08-01. Review status: criteria provided, single submitter. Criteria: CeGaT Center For Human Genetics Tuebingen Variant Classification Criteria Version 2. Collection method: clinical testing. Allele origin: germline. Affected: yes. Observed: 1 variant allele.
Comment: TAF6: BP4, BP7

Labcorp Genetics (formerly Invitae), Labcorp
Classification: Likely benign. Last evaluated: 2022-09-14. Review status: criteria provided, single submitter. Criteria: Invitae Variant Classification Sherloc (09022015). Collection method: clinical testing. Allele origin: germline.